The following is an entry in ClinVar:

NM_007294.4(BRCA1):c.5426T>C (p.Val1809Ala)

Gene: BRCA1 (BRCA1 DNA repair associated; minus strand). Cytogenetic location: 17q21.31.
Variant type: single nucleotide variant.
Coding change: c.5426T>C on transcript NM_007294.4 (MANE Select); coding-DNA position 5426, T replaced by C.
Protein change: p.Val1809Ala; replaces valine 1809 with alanine.
Molecular consequence: missense variant. On other transcripts: synonymous variant (17).
Genome position (GRCh38, 1-based): chr17:43,047,684, A>G on the plus strand (T>C on the coding strand, the complement: BRCA1 is on the minus strand). VCF-style: chr17-43047684-A-G. GRCh37 (hg19) VCF-style: chr17-41199701-A-G.
Other names: c.5423T>C, p.Val1808Ala (NM_001407618.1, NM_001407619.1, NM_001407620.1 and 14 more transcripts); c.5213T>C, p.Val1738Ala (NM_001407571.1, NM_001407894.1, NM_001407895.1 and 12 more transcripts); c.5492T>C, p.Val1831Ala (NM_001407581.1, NM_001407582.1); c.5489T>C, p.Val1830Ala (NM_001407583.1, NM_001407585.1, NM_001407587.1 and 1 more transcripts); c.5486T>C, p.Val1829Ala (NM_001407590.1, NM_001407591.1); c.5420T>C, p.Val1807Ala (NM_001407627.1, NM_001407628.1, NM_001407629.1 and 13 more transcripts); c.5426T>C, p.Val1809Ala (NM_001407593.1, NM_001407594.1, NM_001407596.1 and 5 more transcripts); c.5417T>C, p.Val1806Ala (NM_001407644.1, NM_001407645.1); and 83 more; short protein forms V1809A, V1762A, V1830A, V705A, V1760A, V1766A, V1781A, V1805A.
Identifiers: ClinVar variation 55575 (VCV000055575.17), dbSNP rs80357216, ClinGen allele CA003589.

ClinVar aggregate classification (germline): Conflicting classifications of pathogenicity. Review status: criteria provided, conflicting classifications (1 of 4 stars). 5 submissions from 5 submitters: Likely pathogenic (2); Uncertain significance (2). 1 of the submissions does not count toward it. Last evaluated 2026-09-03.

Conditions:
Hereditary cancer-predisposing syndrome. Also called: Neoplastic Syndromes, Hereditary; Hereditary neoplastic syndrome; Hereditary Cancer Syndrome; Tumor predisposition. Identifiers: Orphanet 140162, MedGen C0027672, MeSH D009386, MONDO:0015356.
Breast-ovarian cancer, familial, susceptibility to, 1 (BROVCA1). Also called: BRCA1 Hereditary Breast and Ovarian Cancer; OVARIAN CANCER, SUSCEPTIBILITY TO. Identifiers: Orphanet 145, MedGen C2676676, MONDO:0011450, OMIM 604370. Disease mechanism: loss of function.
Hereditary breast ovarian cancer syndrome. Also called: BRCA1- and BRCA2-Associated Hereditary Breast and Ovarian Cancer; Hereditary breast and ovarian cancer syndrome (HBOC); Hereditary breast and ovarian cancer syndrome; Hereditary breast and/or ovarian cancer syndrome; Breast and ovarian cancer; Hereditary breast and ovarian cancer. Identifiers: Orphanet 145, MedGen C0677776, MeSH D061325, MONDO:0003582. Disease mechanism: loss of function.

Submissions (6):

Ambry Genetics
Classification: Likely pathogenic for Hereditary cancer-predisposing syndrome. Last evaluated: 2026-09-03. Review status: criteria provided, single submitter. Criteria: Ambry Variant Classification Scheme 2023. Collection method: clinical testing. Allele origin: germline.
Comment: The p.V1809A variant (also known as c.5426T>C), located in coding exon 21 of the BRCA1 gene, results from a T to C substitution at nucleotide position 5426. The valine at codon 1809 is replaced by alanine, an amino acid with similar properties. One functional study found that this nucleotide substitution is non-functional in a high throughput genome editing haploid cell survival assay (Findlay GM et al. Nature, 2018 Oct;562:217-222). This amino acid position is well conserved in available vertebrate species. In addition, this alteration is predicted to be deleterious by in silico analysis. This variant is considered to be rare based on population cohorts in the Genome Aggregation Database (gnomAD). Based on the majority of available evidence to date, this variant is likely to be pathogenic.

Lupski Lab, Baylor-Hopkins CMG, Baylor College of Medicine
Classification: Likely pathogenic for Breast-ovarian cancer, familial, susceptibility to, 1. Last evaluated: 2024-04-12. Review status: criteria provided, single submitter. Criteria: Dawood et al. (medRxiv. 2024). Collection method: curation. Allele origin: germline.
Comment: Each variant was annotated with functional scores from MAVE data which was translated into functional evidence codes. All other evidence codes and combining criteria were adhered to as closely as possible based on the ClinGen VCEP (Variant Curation Expert Panel) gene-specific recommendations. See Supplemental Figure 34 of final paper (Supp Fig. 28 in preprint: doi:10.1101/2024.04.11.24305690) for a table to see which lines of evidence we did not have data for. The ClinGen VCEPs are highly regarded as the gold-standard for gene-specific variant curation and are developed after extensive evaluation of the evidence by clinical and scientific experts for the particular gene to classify genomic variants on a spectrum from pathogenic to benign using the 2015 ACMG/AMP Variant Interpretation Guidelines as a backbone (PMID: 25741868). Reclassification of these VUS variants from gnomAD or All of Us focused only on variants originally prescribed as VUS in ClinVar. To ensure reproducibility, transparency, and increased throughput, all the procedures for annotating variants and assigning evidence codes were codified using Python. All code has been made freely available and is linked in the Code Availability section and all reclassified variants with evidence codes used can be found in Tables S18-19 (preprint: doi:10.1101/2024.04.11.24305690). For the MAVE data, the clinical curation and clinical strength assignment as per the ClinGen recommendations in Brnich et al. (2020) (PMID: 31892348) for or against pathogenicity or benignity of each of these MAVE datasets utilized in this study were previously published in Fayer et al. (2021) (PMID: 34793697).In brief, for BRCA1 variants, if a variant was categorized as FUNC (functional), it was assigned BS3 evidence and no PS3 evidence, whereas if it was categorized as LOF (loss of function), the variant was assigned PS3 evidence and no BS3 evidence. Variants categorized as INT (intermediate) were left unannotated. For the BRCA1 combining criteria, greater than or equal to 1 criteria of strong benign evidence was enough to reclassify the VUS as Likely Benign. This variant GRCh38:17:43047684:A>G was assigned evidence codes ['PS3', 'PP3', 'PM2_Supporting'] and an overall classification of Likely pathogenic

All of Us Research Program, National Institutes of Health
Classification: Uncertain significance for Breast-ovarian cancer, familial, susceptibility to, 1. Last evaluated: 2023-06-28. Review status: criteria provided, single submitter. Criteria: ACMG Guidelines, 2015. Collection method: clinical testing. Allele origin: germline. Inheritance: Autosomal dominant inheritance. Observed: 1 variant allele, 1 heterozygote.
Comment: This study involves interpretation of variants in research participants for the purpose of population health screening. Participant phenotype was not available at the time of variant classification. Additional details can be found in publication PMID: 35346344, PMCID: PMC8962531

Labcorp Genetics (formerly Invitae), Labcorp
Classification: Uncertain significance for Hereditary breast ovarian cancer syndrome. Last evaluated: 2022-08-09. Review status: criteria provided, single submitter. Criteria: Invitae Variant Classification Sherloc (09022015). Collection method: clinical testing. Allele origin: germline.
Comment: This sequence change replaces valine, which is neutral and non-polar, with alanine, which is neutral and non-polar, at codon 1809 of the BRCA1 protein (p.Val1809Ala). This variant is not present in population databases (gnomAD no frequency). In summary, the available evidence is currently insufficient to determine the role of this variant in disease. Therefore, it has been classified as a Variant of Uncertain Significance. Experimental studies are conflicting or provide insufficient evidence to determine the effect of this variant on BRCA1 function (PMID: 20516115, 30209399). Advanced modeling of experimental studies (such as gene expression, population dynamics, functional pathways, and cell-cycle effects in cell culture) performed at Invitae indicates that this missense variant is expected to disrupt BRCA1 protein function. ClinVar contains an entry for this variant (Variation ID: 55575). This missense change has been observed in individual(s) with breast cancer (PMID: 12872263).

Breast Cancer Information Core (BIC) (BRCA1)
Classification: Uncertain significance for Breast-ovarian cancer, familial 1. Last evaluated: 2000-06-12. Review status: no assertion criteria provided. Collection method: clinical testing. Allele origin: germline. Affected: yes. Observed: 3 variant alleles. Not counted in ClinVar's aggregate classification.

Brotman Baty Institute, University of Washington
No classification provided (evidence only). Condition: Breast-ovarian cancer, familial 1. Review status: no classification provided. Collection method: in vitro. Allele origin: not applicable. Functional consequence: functionally_abnormal. Not counted in ClinVar's aggregate classification.
ClinVar note: "not provided" was previously submitted as the classification for the variant. However, the classification appeared to be based only on an observation of functional data so it was converted to no classification on 2025-07-30.

Literature cited by the submitters: PubMed 30209399 (cited by Ambry Genetics and Labcorp Genetics (formerly Invitae), Labcorp); PubMed 39142283 (cited by Lupski Lab, Baylor-Hopkins CMG, Baylor College of Medicine); PubMed 34793697 (cited by Lupski Lab, Baylor-Hopkins CMG, Baylor College of Medicine); DOI 10.1101/2024.04.11.24305690 (cited by Lupski Lab, Baylor-Hopkins CMG, Baylor College of Medicine); PubMed 20516115 (cited by Labcorp Genetics (formerly Invitae), Labcorp); PubMed 12872263 (cited by Labcorp Genetics (formerly Invitae), Labcorp).